The following is an entry in ClinVar:

NC_000016.9:g.(?_2114273)_(2138713_?)dup

Genes: PKD1 (polycystin 1, transient receptor potential channel interacting; minus strand), TSC2 (TSC complex subunit 2; plus strand). Cytogenetic location: 16p13.3.
Variant type: Duplication.
Identifiers: ClinVar variation 417367 (VCV000417367.1).

ClinVar aggregate classification (germline): Uncertain significance (1 of 4 stars; one submission).

Conditions:
Tuberous sclerosis 2 (TSC2). Identifiers: Orphanet 805, MedGen C1860707, MONDO:0013199, OMIM 613254.

Submission:

Labcorp Genetics (formerly Invitae), Labcorp
Classification: Uncertain significance for Tuberous sclerosis 2. Last evaluated: 2016-10-24. Review status: criteria provided, single submitter. Criteria: Invitae Variant Classification Sherloc (09022015). Collection method: clinical testing. Allele origin: germline.
Comment: This variant is a gross duplication of the genomic region encompassing exons 15-last of the TSC2 gene. The 5' boundary is likely confined to intron 14. The 3' end of this event is unknown as it extends beyond the assayed region for this gene and therefore may encompass additional genes. This variant is not present in population databases (ExAC no frequency) and has not been reported in the literature in individuals with a TSC2-related disease. Experimental studies and prediction algorithms are not available for this variant, and the functional significance of the duplicated amino acids is currently unknown. In summary, this variant is a novel change with uncertain impact on protein function. It has been classified as a Variant of Uncertain Significance.